The following is an entry in ClinVar:

ClinVar aggregate classification (germline): Uncertain significance. Review status: criteria provided, multiple submitters, no conflicts (2 of 4 stars). 3 submissions from 3 submitters: Uncertain significance (3). Last evaluated 2025-06-12.

Conditions:
Hereditary cancer-predisposing syndrome. Also called: Hereditary Cancer Syndrome; Hereditary neoplastic syndrome; Neoplastic Syndromes, Hereditary; Tumor predisposition. Identifiers: Orphanet 140162, MedGen C0027672, MeSH D009386, MONDO:0015356.
Oligodontia-cancer predisposition syndrome. Also called: TOOTH AGENESIS-COLORECTAL CANCER SYNDROME. Identifiers: Orphanet 300576, MedGen C1837750, MONDO:0012075, OMIM 608615. Disease mechanism: loss of function.
Colorectal cancer. Also called: Malignant Colorectal Neoplasm; Colorectal cancer, somatic. Identifiers: MedGen C0346629, MONDO:0005575, OMIM 114500.

Submissions (3):

Ambry Genetics
Classification: Uncertain significance for Hereditary cancer-predisposing syndrome. Last evaluated: 2025-06-12. Review status: criteria provided, single submitter. Criteria: Ambry Variant Classification Scheme 2023. Collection method: clinical testing. Allele origin: germline.
Comment: The p.P566A variant (also known as c.1696C>G), located in coding exon 5 of the AXIN2 gene, results from a C to G substitution at nucleotide position 1696. The proline at codon 566 is replaced by alanine, an amino acid with highly similar properties. This amino acid position is conserved. In addition, this alteration is predicted to be tolerated by in silico analysis. Based on the available evidence, the clinical significance of this variant remains unclear.

Labcorp Genetics (formerly Invitae), Labcorp
Classification: Uncertain significance for Oligodontia-cancer predisposition syndrome. Last evaluated: 2024-07-25. Review status: criteria provided, single submitter. Criteria: Invitae Variant Classification Sherloc (09022015). Collection method: clinical testing. Allele origin: germline.
Comment: This sequence change replaces proline, which is neutral and non-polar, with alanine, which is neutral and non-polar, at codon 566 of the AXIN2 protein (p.Pro566Ala). This variant is not present in population databases (gnomAD no frequency). This variant has not been reported in the literature in individuals affected with AXIN2-related conditions. ClinVar contains an entry for this variant (Variation ID: 1062290). Advanced modeling of protein sequence and biophysical properties (such as structural, functional, and spatial information, amino acid conservation, physicochemical variation, residue mobility, and thermodynamic stability) performed at Invitae indicates that this missense variant is not expected to disrupt AXIN2 protein function with a negative predictive value of 80%. In summary, the available evidence is currently insufficient to determine the role of this variant in disease. Therefore, it has been classified as a Variant of Uncertain Significance.

Fulgent Genetics
Classification: Uncertain significance for Colorectal cancer; Oligodontia-cancer predisposition syndrome. Last evaluated: 2024-03-07. Review status: criteria provided, single submitter. Criteria: ACMG Guidelines, 2015. Collection method: clinical testing. Allele origin: germline.

NM_004655.4(AXIN2):c.1696C>G (p.Pro566Ala)

Gene: AXIN2 (axin 2; minus strand). Cytogenetic location: 17q24.1.
Variant type: single nucleotide variant.
Coding change: c.1696C>G on transcript NM_004655.4 (MANE Select); coding-DNA position 1696, C replaced by G.
Protein change: p.Pro566Ala; replaces proline 566 with alanine.
Molecular consequence: missense variant.
Genome position (GRCh38, 1-based): chr17:65,537,340, G>C on the plus strand (C>G on the coding strand, the complement: AXIN2 is on the minus strand). VCF-style: chr17-65537340-G-C. GRCh37 (hg19) VCF-style: chr17-63533458-G-C.
Other names: c.1696C>G (NM_004655.3); c.1696C>G, p.Pro566Ala (NM_001363813.1); short protein forms P566A.
Identifiers: ClinVar variation 1062290 (VCV001062290.11), dbSNP rs2043944814, ClinGen allele CA400676817.